The following is an entry in ClinVar:

NM_181846.3(ZSCAN22):c.1150G>A (p.Ala384Thr)

Gene: ZSCAN22 (zinc finger and SCAN domain containing 22; plus strand). Cytogenetic location: 19q13.43.
Variant type: single nucleotide variant.
Coding change: c.1150G>A on transcript NM_181846.3 (MANE Select); coding-DNA position 1150, G replaced by A.
Protein change: p.Ala384Thr; replaces alanine 384 with threonine.
Molecular consequence: missense variant. On other transcripts: 3 prime UTR variant (1).
Genome position (GRCh38, 1-based): chr19:58,339,000, G>A. VCF-style: chr19-58339000-G-A. GRCh37 (hg19) VCF-style: chr19-58850366-G-A.
Other names: c.1150G>A, p.Ala384Thr (NM_001321116.2); c.*132G>A (NM_001321117.2); short protein forms A384T.
Identifiers: ClinVar variation 4867079 (VCV004867079.1).

ClinVar aggregate classification (germline): Uncertain significance (1 of 4 stars; one submission).

gnomAD v4.1: 35 of 1,612,492 alleles (0.0022%); highest among the groups gnomAD compares: African/African-American, 0.019%; no homozygotes.

Submission:

Ambry Genetics
Classification: Uncertain significance. Last evaluated: 2026-03-26. Review status: criteria provided, single submitter. Criteria: Ambry Variant Classification Scheme 2023. Collection method: clinical testing. Allele origin: germline.
Comment: The c.1150G>A (p.A384T) alteration is located in exon 3 (coding exon 2) of the ZSCAN22 gene. This alteration results from a G to A substitution at nucleotide position 1150, causing the alanine (A) at amino acid position 384 to be replaced by a threonine (T). Based on data from gnomAD, the A allele has an overall frequency of 0.003% (8/282818) total alleles studied. The highest observed frequency was 0.024% (6/24966) of African alleles. Based on insufficient or conflicting evidence, the clinical significance of this alteration remains unclear.